The following is an entry in ClinVar:

NM_000322.5(PRPH2):c.*13C>T

Gene: PRPH2 (peripherin 2; minus strand). Cytogenetic location: 6p21.1.
Variant type: single nucleotide variant.
Coding change: c.*13C>T on transcript NM_000322.5 (MANE Select); 13 bases downstream of the stop codon, C replaced by T.
Molecular consequence: 3 prime UTR variant.
Genome position (GRCh38, 1-based): chr6:42,698,282, G>A on the plus strand (C>T on the coding strand, the complement: PRPH2 is on the minus strand). VCF-style: chr6-42698282-G-A. GRCh37 (hg19) VCF-style: chr6-42666020-G-A.
Identifiers: ClinVar variation 167542 (VCV000167542.17), dbSNP rs361524, ClinGen allele CA180346.

ClinVar aggregate classification (germline): Benign. Review status: criteria provided, multiple submitters, no conflicts (2 of 4 stars). 16 submissions from 7 submitters: Benign (13). 3 of the submissions do not count toward it. Last evaluated 2021-10-25.

Conditions:
Retinitis pigmentosa (RP). Identifiers: Orphanet 791, MedGen C0035334, MeSH D012174, MONDO:0019200, OMIM 268000. Inheritance: Autosomal dominant, autosomal recessive and X linked inheritance.
Patterned macular dystrophy 1. Also called: MACULAR DYSTROPHY, BUTTERFLY-SHAPED PIGMENTARY; BUTTERFLY DYSTROPHY OF RETINAL PIGMENT EPITHELIUM. Identifiers: Orphanet 99001, MedGen C4551999, MONDO:0008210, OMIM 169150.
Vitelliform macular dystrophy 3 (VMD3). Also called: PRPH2 vitelliform macular dystrophy; vitelliform macular dystrophy caused by mutation in PRPH2. Identifiers: MedGen CN295869, MONDO:0024561, OMIM 608161.
Retinitis pigmentosa 7 (RP7). Identifiers: Orphanet 791, MedGen C1842475, MONDO:0011974, OMIM 608133.
Choroidal dystrophy, central areolar 2 (CACD2). Also called: Choriodal Dystrophy, Central Areolar 2; MACULAR DYSTROPHY, PROGRESSIVE. Identifiers: Orphanet 75377, MedGen C2751290, MONDO:0013137, OMIM 613105.
Pigmentary retinal dystrophy. Also called: Fundus albipunctatus. Identifiers: Orphanet 227796, Orphanet 52427, MedGen C0311338, MONDO:0007639, OMIM 136880, HP:0030642.
Cone-rod dystrophy. Also called: Cone/cone-rod dystrophy; Cone-rod degeneration. Identifiers: Orphanet 1872, MedGen C4085590, MONDO:0015993, HP:0000548.
Adult-onset foveomacular vitelliform dystrophy. Also called: FOVEOMACULAR DYSTROPHY, ADULT-ONSET, WITH OR WITHOUT CHOROIDAL NEOVASCULARIZATION; Adult onset vitelliform dystrophy; FOVEOMACULAR DYSTROPHY, ADULT-ONSET. Identifiers: Orphanet 99000, MedGen C1842914, MONDO:0011979.

Allele frequency attached by ClinVar (database versions not stated): 1000 Genomes Project 30x 0.25547; 1000 Genomes Project 0.25699; TOPMed 0.26303; gnomAD exomes 0.27087 and 0.28391; ESP Exome Variant Server 0.27357; gnomAD 0.27666 and 0.27680; ExAC 0.27865.

Submissions (16):

Genome-Nilou Lab
Classification: Benign for Choroidal dystrophy, central areolar 2. Last evaluated: 2021-10-25. Review status: criteria provided, single submitter. Criteria: ACMG Guidelines, 2015. Collection method: clinical testing. Allele origin: germline. Affected: no.

Genome-Nilou Lab
Classification: Benign for Retinitis pigmentosa 7. Last evaluated: 2021-10-25. Review status: criteria provided, single submitter. Criteria: ACMG Guidelines, 2015. Collection method: clinical testing. Allele origin: germline. Affected: no.

Genome-Nilou Lab
Classification: Benign for Patterned macular dystrophy 1. Last evaluated: 2021-10-25. Review status: criteria provided, single submitter. Criteria: ACMG Guidelines, 2015. Collection method: clinical testing. Allele origin: germline. Affected: no.

Genome-Nilou Lab
Classification: Benign for Vitelliform macular dystrophy 3. Last evaluated: 2021-10-25. Review status: criteria provided, single submitter. Criteria: ACMG Guidelines, 2015. Collection method: clinical testing. Allele origin: germline. Affected: no.

Genome-Nilou Lab
Classification: Benign for Pigmentary retinal dystrophy. Last evaluated: 2021-10-25. Review status: criteria provided, single submitter. Criteria: ACMG Guidelines, 2015. Collection method: clinical testing. Allele origin: germline. Affected: no.

Illumina Laboratory Services, Illumina
Classification: Benign for Choroidal dystrophy, central areolar 2. Last evaluated: 2018-01-12. Review status: criteria provided, single submitter. Criteria: ICSL Variant Classification Criteria 13 December 2019. Collection method: clinical testing. Allele origin: germline.
Comment: This variant was observed in the ICSL laboratory as part of a predisposition screen in an ostensibly healthy population. It had not been previously curated by ICSL or reported in the Human Gene Mutation Database (HGMD: prior to June 1st, 2018), and was therefore a candidate for classification through an automated scoring system. Utilizing variant allele frequency, disease prevalence and penetrance estimates, and inheritance mode, an automated score was calculated to assess if this variant is too frequent to cause the disease. Based on the score and internal cut-off values, a variant classified as benign is not then subjected to further curation. The score for this variant resulted in a classification of benign for this disease.

Illumina Laboratory Services, Illumina
Classification: Benign for Patterned macular dystrophy 1. Last evaluated: 2018-01-12. Review status: criteria provided, single submitter. Criteria: ICSL Variant Classification Criteria 13 December 2019. Collection method: clinical testing. Allele origin: germline.
Comment: the same text as in the submission from Illumina Laboratory Services, Illumina above.

Illumina Laboratory Services, Illumina
Classification: Benign for Cone-rod dystrophy. Last evaluated: 2018-01-12. Review status: criteria provided, single submitter. Criteria: ICSL Variant Classification Criteria 13 December 2019. Collection method: clinical testing. Allele origin: germline.
Comment: the same text as in the submission from Illumina Laboratory Services, Illumina above.

Illumina Laboratory Services, Illumina
Classification: Benign for Vitelliform macular dystrophy 3. Last evaluated: 2018-01-12. Review status: criteria provided, single submitter. Criteria: ICSL Variant Classification Criteria 13 December 2019. Collection method: clinical testing. Allele origin: germline.
Comment: the same text as in the submission from Illumina Laboratory Services, Illumina above.

Illumina Laboratory Services, Illumina
Classification: Benign for Retinitis pigmentosa. Last evaluated: 2018-01-12. Review status: criteria provided, single submitter. Criteria: ICSL Variant Classification Criteria 13 December 2019. Collection method: clinical testing. Allele origin: germline.
Comment: the same text as in the submission from Illumina Laboratory Services, Illumina above.

Illumina Laboratory Services, Illumina
Classification: Benign for Pigmentary retinal dystrophy. Last evaluated: 2018-01-12. Review status: criteria provided, single submitter. Criteria: ICSL Variant Classification Criteria 13 December 2019. Collection method: clinical testing. Allele origin: germline.
Comment: the same text as in the submission from Illumina Laboratory Services, Illumina above.

Eurofins Ntd Llc (ga)
Classification: Benign. Last evaluated: 2014-04-28. Review status: criteria provided, single submitter. Criteria: EGL Classification Definitions 2015. Collection method: clinical testing. Allele origin: germline. Observed: 2 variant alleles, 2 heterozygotes.

PreventionGenetics, part of Exact Sciences
Classification: Benign. Review status: criteria provided, single submitter. Criteria: ACMG Guidelines, 2015. Collection method: clinical testing. Allele origin: germline.

Clinical Genetics DNA and cytogenetics Diagnostics Lab, Erasmus MC, Erasmus Medical Center
Classification: Benign. Review status: no assertion criteria provided. Collection method: clinical testing. Allele origin: germline. Affected: yes. Study: VKGL Data-share Consensus. Not counted in ClinVar's aggregate classification.

Diagnostic Laboratory, Department of Genetics, University Medical Center Groningen
Classification: Benign. Review status: no assertion criteria provided. Collection method: clinical testing. Allele origin: germline. Affected: yes. Study: VKGL Data-share Consensus. Not counted in ClinVar's aggregate classification.

Joint Genome Diagnostic Labs from Nijmegen and Maastricht, Radboudumc and MUMC+
Classification: Benign. Review status: no assertion criteria provided. Collection method: clinical testing. Allele origin: germline. Affected: yes. Study: VKGL Data-share Consensus. Not counted in ClinVar's aggregate classification.